The following is an entry in ClinVar:

NM_005422.4(TECTA):c.4116C>A (p.Cys1372Ter)

Genes: TBCEL-TECTA (TBCEL-TECTA readthrough; plus strand), TECTA (tectorin alpha; plus strand). Cytogenetic location: 11q23.3.
Variant type: single nucleotide variant.
Coding change: c.4116C>A on transcript NM_005422.4 (MANE Select); coding-DNA position 4116, C replaced by A.
Protein change: p.Cys1372Ter; replaces cysteine 1372 with a stop codon.
Molecular consequence: nonsense.
Genome position (GRCh38, 1-based): chr11:121,152,891, C>A. VCF-style: chr11-121152891-C-A. GRCh37 (hg19) VCF-style: chr11-121023600-C-A.
Other names: c.5073C>A, p.Cys1691Ter (NM_001378761.1); short protein forms C1372*, C1691*.
Identifiers: ClinVar variation 2137272 (VCV002137272.4), dbSNP rs538112464, ClinGen allele CA229840679.

ClinVar aggregate classification (germline): Pathogenic (1 of 4 stars; one submission).

Allele frequency attached by ClinVar (database versions not stated): gnomAD 0.00001; TOPMed 0.00001.
gnomAD v4.1: 25 of 1,600,404 alleles (0.0016%); highest among the groups gnomAD compares: Non-Finnish European, 0.0021%; no homozygotes.

Submission:

Labcorp Genetics (formerly Invitae), Labcorp
Classification: Pathogenic. Last evaluated: 2023-12-19. Review status: criteria provided, single submitter. Criteria: Invitae Variant Classification Sherloc (09022015). Collection method: clinical testing. Allele origin: germline.
Comment: This sequence change creates a premature translational stop signal (p.Cys1372*) in the TECTA gene. It is expected to result in an absent or disrupted protein product. Loss-of-function variants in TECTA are known to be pathogenic (PMID: 11087000, 12746400, 17431902, 24130743). This variant is present in population databases (rs538112464, gnomAD 0.003%). This premature translational stop signal has been observed in individual(s) with autosomal recessive deafness (PMID: 27068579). ClinVar contains an entry for this variant (Variation ID: 2137272). For these reasons, this variant has been classified as Pathogenic.

Literature cited by the submitters: PubMed 11087000; PubMed 12746400; PubMed 17431902; PubMed 24130743; PubMed 27068579.